The following is an entry in ClinVar:

ClinVar aggregate classification (germline): Likely pathogenic. Review status: criteria provided, single submitter (1 of 4 stars). 3 submissions from 3 submitters: Likely pathogenic (1). 2 of the submissions do not count toward it. Last evaluated 2024-11-04.

Conditions:
Hereditary breast ovarian cancer syndrome. Also called: Breast and ovarian cancer; Hereditary breast and/or ovarian cancer syndrome; BRCA1- and BRCA2-Associated Hereditary Breast and Ovarian Cancer; Hereditary breast and ovarian cancer syndrome; Hereditary breast and ovarian cancer syndrome (HBOC); Hereditary breast and ovarian cancer. Identifiers: Orphanet 145, MedGen C0677776, MeSH D061325, MONDO:0003582. Disease mechanism: loss of function.
Breast-ovarian cancer, familial, susceptibility to, 1 (BROVCA1). Also called: BRCA1 Hereditary Breast and Ovarian Cancer; OVARIAN CANCER, SUSCEPTIBILITY TO. Identifiers: Orphanet 145, MedGen C2676676, MONDO:0011450, OMIM 604370. Disease mechanism: loss of function.

Submissions (4):

Labcorp Genetics (formerly Invitae), Labcorp
Classification: Likely pathogenic for Hereditary breast ovarian cancer syndrome. Last evaluated: 2024-11-04. Review status: criteria provided, single submitter. Criteria: Invitae Variant Classification Sherloc (09022015). Collection method: clinical testing. Allele origin: germline.
Comment: This sequence change replaces glycine, which is neutral and non-polar, with alanine, which is neutral and non-polar, at codon 1788 of the BRCA1 protein (p.Gly1788Ala). This variant is not present in population databases (gnomAD no frequency). This variant has not been reported in the literature in individuals affected with BRCA1-related conditions. ClinVar contains an entry for this variant (Variation ID: 531438). Invitae Evidence Modeling incorporating data from in vitro experimental studies (PMID: 30209399) indicates that this missense variant is expected to disrupt BRCA1 function with a positive predictive value of 95%. Experimental studies have shown that this missense change affects BRCA1 function (PMID: 11016938, 30209399). This variant disrupts the p.Gly1788 amino acid residue in BRCA1. Other variant(s) that disrupt this residue have been determined to be pathogenic (PMID: 9796975, 17924331, 18418466, 20516115, 21990134, 26689913, 27272900). This suggests that this residue is clinically significant, and that variants that disrupt this residue are likely to be disease-causing. In summary, the currently available evidence indicates that the variant is pathogenic, but additional data are needed to prove that conclusively. Therefore, this variant has been classified as Likely Pathogenic.

KCCC/NGS Laboratory, Kuwait Cancer Control Center
Classification: Likely pathogenic for Breast-ovarian cancer, familial, susceptibility to, 1. Last evaluated: 2023-05-05. Review status: no assertion criteria provided. Collection method: clinical testing. Allele origin: germline. Affected: yes. Not counted in ClinVar's aggregate classification.
Comment: A likely pathogenic variant was detected in this sample. This sequence change replaces glycine with alanine at codon 1809 of the BRCA1 protein (p.Gly1809Ala). The glycine residue is highly conserved and there is a small physicochemical difference between glycine and alanine. This variant is not present in population databases (gnomAD). ClinVar contains an entry for this variant (Variation ID: 531438). This variant has been reported to affect BRCA1 protein function (PMID: 11016938, 30209399). This variant disrupts the p.Gly1809 amino acid residue in BRCA1. Other variant(s) that disrupt this residue have been determined to be pathogenic (PMID: 26689913, 17924331, 18418466, 9796975, 21990134, 27272900, 20516115). This suggests that this residue is clinically significant, and that variants that disrupt this residue are likely to be disease-causing. In summary, the currently available evidence indicates that the variant is pathogenic, but additional data are needed to prove that conclusively. Therefore, this variant has been classified as Likely Pathogenic. This variant was confirmed by Sanger Sequencing .

Biochemical Molecular Genetic Laboratory, King Abdulaziz Medical City
Classification: Likely pathogenic for Breast-ovarian cancer, familial, susceptibility to, 1. Last evaluated: 2020-10-11. Review status: no assertion criteria provided. Collection method: clinical testing. Allele origin: germline. Affected: yes. Not counted in ClinVar's aggregate classification.

Brotman Baty Institute, University of Washington
No classification provided (evidence only). Condition: Breast-ovarian cancer, familial 1. Review status: no classification provided. Collection method: in vitro. Allele origin: not applicable. Functional consequence: functionally_abnormal. Not counted in ClinVar's aggregate classification.
ClinVar note: "not provided" was previously submitted as the classification for the variant. However, the classification appeared to be based only on an observation of functional data so it was converted to no classification on 2025-07-30.

Literature cited by the submitters: PubMed 30209399 (cited by Labcorp Genetics (formerly Invitae), Labcorp); PubMed 11016938 (cited by Labcorp Genetics (formerly Invitae), Labcorp); PubMed 9796975 (cited by Labcorp Genetics (formerly Invitae), Labcorp); PubMed 17924331 (cited by Labcorp Genetics (formerly Invitae), Labcorp); PubMed 18418466 (cited by Labcorp Genetics (formerly Invitae), Labcorp); PubMed 20516115 (cited by Labcorp Genetics (formerly Invitae), Labcorp); PubMed 21990134 (cited by Labcorp Genetics (formerly Invitae), Labcorp); PubMed 26689913 (cited by Labcorp Genetics (formerly Invitae), Labcorp); PubMed 27272900 (cited by Labcorp Genetics (formerly Invitae), Labcorp); PubMed 20104584 (cited by KCCC/NGS Laboratory, Kuwait Cancer Control Center).

NM_007294.4(BRCA1):c.5363G>C (p.Gly1788Ala)

Gene: BRCA1 (BRCA1 DNA repair associated; minus strand). Cytogenetic location: 17q21.31.
Variant type: single nucleotide variant.
Coding change: c.5363G>C on transcript NM_007294.4 (MANE Select); coding-DNA position 5363, G replaced by C.
Protein change: p.Gly1788Ala; replaces glycine 1788 with alanine.
Molecular consequence: missense variant. On other transcripts: non-coding transcript variant (1), intron variant (1).
Genome position (GRCh38, 1-based): chr17:43,049,164, C>G on the plus strand (G>C on the coding strand, the complement: BRCA1 is on the minus strand). VCF-style: chr17-43049164-C-G. GRCh37 (hg19) VCF-style: chr17-41201181-C-G.
Other names: c.5150G>C, p.Gly1717Ala (NM_001407571.1, NM_001407894.1, NM_001407908.1 and 12 more transcripts); c.5429G>C, p.Gly1810Ala (NM_001407581.1, NM_001407582.1); c.5426G>C, p.Gly1809Ala (NM_001407583.1, NM_001407585.1, NM_001407587.1 and 1 more transcripts); c.5423G>C, p.Gly1808Ala (NM_001407590.1, NM_001407591.1); c.5363G>C, p.Gly1788Ala (NM_001407593.1, NM_001407594.1, NM_001407596.1 and 5 more transcripts); c.5360G>C, p.Gly1787Ala (NM_001407610.1, NM_001407611.1, NM_001407612.1 and 14 more transcripts); c.5357G>C, p.Gly1786Ala (NM_001407628.1, NM_001407629.1, NM_001407630.1 and 13 more transcripts); c.5306G>C, p.Gly1769Ala (NM_001407648.1); and 73 more; short protein forms G1788A, G1741A, G684A, G1809A, G1492A, G1634A, G1660A, G1661A.
Identifiers: ClinVar variation 531438 (VCV000531438.15), dbSNP rs80357069, ClinGen allele CA10590739.